The following is an entry in ClinVar:

ClinVar aggregate classification (germline): Likely pathogenic. Review status: criteria provided, single submitter (1 of 4 stars). 2 submissions from 2 submitters: Likely pathogenic (1). 1 of the submissions does not count toward it. Last evaluated 2020-08-21.

Conditions:
Rubinstein-Taybi syndrome due to CREBBP mutations (RSTS1). Also called: CREBBP-Related Rubinstein-Taybi Syndrome; BROAD THUMBS AND GREAT TOES, CHARACTERISTIC FACIES, AND IMPAIRED INTELLECTUAL DEVELOPMENT; RUBINSTEIN SYNDROME; RUBINSTEIN-TAYBI SYNDROME 1, INCOMPLETE; Rubinstein-Taybi syndrome 1; BROAD THUMB-HALLUX SYNDROME. Identifiers: Orphanet 353277, Orphanet 783, MedGen C4551859, MONDO:0008393, OMIM 180849.

Submissions (2):

Breakthrough Genomics
Classification: Likely pathogenic for Rubinstein-Taybi syndrome due to CREBBP mutations. Last evaluated: 2020-08-21. Review status: criteria provided, single submitter. Criteria: ACMG Guidelines, 2015. Collection method: clinical testing. Allele origin: germline. Affected: yes.
Comment: This variant is predicted to cause a frameshift and consequent premature termination of the protein and the resultant protein will likely to lack TRERF1 interaction region [Uniprot] of the protein; this will likely result in loss-of-function. This variant has not been previously reported in population databases or in the literature. However, several other truncating variants such as; p.Pro1953fs and p.Glu1957fs lying downstream of the variant, have been previously reported as ‘pathogenic’ in the context of Rubinstein-Taybi syndrome.

Gharavi Laboratory, Columbia University
Classification: Likely pathogenic. Last evaluated: 2018-09-16. Review status: no assertion criteria provided. Criteria: ACMG Guidelines, 2015. Collection method: research. Allele origin: germline. Affected: yes. Not counted in ClinVar's aggregate classification.

NM_004380.3(CREBBP):c.5830dup (p.Ala1944fs)

Gene: CREBBP (CREB binding lysine acetyltransferase; minus strand). Cytogenetic location: 16p13.3.
Variant type: Duplication.
Coding change: c.5830dup on transcript NM_004380.3 (MANE Select); coding-DNA position 5830, one base duplicated (G; older notation c.5830dupG).
Protein change: p.Ala1944fs; shifts the reading frame from alanine 1944.
Molecular consequence: frameshift variant.
Genome position (GRCh38, 1-based): chr16:3,729,217, C duplicated on the plus strand (G on the coding strand, the reverse complement: CREBBP is on the minus strand); the first of 2 consecutive C bases (chr16:3,729,217-3,729,218); duplicating either gives the same sequence. VCF-style (leftmost placement, unchanged base first): chr16-3729216-G-GC. GRCh37 (hg19) VCF-style: chr16-3779217-G-GC.
Other names: p.Ala1944GlyfsTer22; c.5716dup, p.Ala1906fs (NM_001079846.1); c.5830dup (NM_004380.2); short protein forms A1906fs, A1944fs.
Identifiers: ClinVar variation 562316 (VCV000562316.3), dbSNP rs1567262786, ClinGen allele CA658823771.